The following is an entry in ClinVar:

ClinVar aggregate classification (germline): Benign (3 of 4 stars; one submission).

Conditions:
Breast-ovarian cancer, familial, susceptibility to, 2 (BROVCA2). Also called: BRCA2 Hereditary Breast and Ovarian Cancer. Identifiers: Orphanet 145, MedGen C2675520, MONDO:0012933, OMIM 612555. Disease mechanism: loss of function.

Allele frequency attached by ClinVar (database versions not stated): gnomAD 0.00001 and 0.00021; TOPMed 0.00006; 1000 Genomes Project 30x 0.00219; 1000 Genomes Project 0.00260.
gnomAD v4.1: 32 of 152,376 alleles (0.021%); highest among the groups gnomAD compares: South Asian, 0.64%; 1 homozygote.

Submission:

Evidence-based Network for the Interpretation of Germline Mutant Alleles (ENIGMA)
Classification: Benign for Breast-ovarian cancer, familial, susceptibility to, 2. Last evaluated: 2016-09-28. Review status: reviewed by expert panel. Criteria: ENIGMA BRCA1/2 Classification Criteria (2015). Collection method: curation. Allele origin: germline.
Comment: Class 1 not pathogenic based on frequency >1% in an outbred sampleset. Frequency 0.0133 (South Asian), derived from 1000 genomes (2013-05-02).

NM_000059.4(BRCA2):c.316+863A>C

Gene: BRCA2 (BRCA2 DNA repair associated; plus strand). Cytogenetic location: 13q13.1.
Variant type: single nucleotide variant.
Coding change: c.316+863A>C on transcript NM_000059.4 (MANE Select); 863 bases into the intron after coding-DNA position 316, A replaced by C.
Molecular consequence: intron variant.
Genome position (GRCh38, 1-based): chr13:32,320,188, A>C. VCF-style: chr13-32320188-A-C. GRCh37 (hg19) VCF-style: chr13-32894325-A-C.
Identifiers: ClinVar variation 264892 (VCV000264892.1), dbSNP rs555027263, ClinGen allele CA10588067.